The following is an entry in ClinVar:

ClinVar aggregate classification (germline): Uncertain significance (1 of 4 stars; one submission).

Submission:

Labcorp Genetics (formerly Invitae), Labcorp
Classification: Uncertain significance. Last evaluated: 2024-09-21. Review status: criteria provided, single submitter. Criteria: Invitae Variant Classification Sherloc (09022015). Collection method: clinical testing. Allele origin: germline.
Comment: This variant, c.824_838dup, results in the insertion of 5 amino acid(s) of the TNFRSF6B protein (p.Arg275_Ala279dup), but otherwise preserves the integrity of the reading frame. This variant is not present in population databases (gnomAD no frequency). This variant has not been reported in the literature in individuals affected with TNFRSF6B-related conditions. In summary, the available evidence is currently insufficient to determine the role of this variant in disease. Therefore, it has been classified as a Variant of Uncertain Significance.

NM_003823.4(TNFRSF6B):c.824_838dup (p.Ala279_Leu280insArgLeuLeuGlnAla)

Genes: RTEL1-TNFRSF6B (RTEL1-TNFRSF6B readthrough (NMD candidate); plus strand), TNFRSF6B (TNF receptor superfamily member 6b; plus strand). Cytogenetic location: 20q13.33.
Variant type: Duplication.
Coding change: c.824_838dup on transcript NM_003823.4 (MANE Select); coding-DNA positions 824 to 838, 15 bases duplicated (GGCTGCTGCAGGCGC).
Protein change: p.Ala279_Leu280insArgLeuLeuGlnAla.
Molecular consequence: non-coding transcript variant (on NR_037882.1).
Genome position (GRCh38, 1-based): chr20:63,698,484-63,698,498, GGCTGCTGCAGGCGC duplicated; duplicating any 15 consecutive bases within chr20:63,698,482-63,698,498 gives the same sequence; the c. name uses the placement nearest the transcript's 3' end. VCF-style (leftmost placement, unchanged base first): chr20-63698481-T-TGCGGCTGCTGCAGGC. GRCh37 (hg19) VCF-style: chr20-62329834-T-TGCGGCTGCTGCAGGC.
Identifiers: ClinVar variation 3694583 (VCV003694583.2).